The following is an entry in ClinVar:

NM_031924.8(RSPH3):c.1046dup (p.Ala350fs)

Gene: RSPH3 (radial spoke head 3; minus strand). Cytogenetic location: 6q25.3.
Variant type: Duplication.
Coding change: c.1046dup on transcript NM_031924.8 (MANE Select); coding-DNA position 1046, one base duplicated (G; older notation c.1046dupG).
Protein change: p.Ala350fs; shifts the reading frame from alanine 350.
Molecular consequence: frameshift variant. On other transcripts: non-coding transcript variant (1).
Genome position (GRCh38, 1-based): chr6:158,977,749, C duplicated on the plus strand (G on the coding strand, the reverse complement: RSPH3 is on the minus strand); the first of 2 consecutive C bases (chr6:158,977,749-158,977,750); duplicating either gives the same sequence. VCF-style (leftmost placement, unchanged base first): chr6-158977748-T-TC. GRCh37 (hg19) VCF-style: chr6-159398780-T-TC.
Other names: c.1184dup, p.Ala396fs (NM_001346418.1); short protein forms A350fs, A396fs.
Identifiers: ClinVar variation 945283 (VCV000945283.7), dbSNP rs1777895913, ClinGen allele CA1139659918.

ClinVar aggregate classification (germline): Uncertain significance (1 of 4 stars; one submission).

Conditions:
Primary ciliary dyskinesia 32. Also called: CILIARY DYSKINESIA, PRIMARY, 32, WITHOUT SITUS INVERSUS. Identifiers: Orphanet 244, MedGen C4225311, MONDO:0014657, OMIM 616481.

Submission:

Labcorp Genetics (formerly Invitae), Labcorp
Classification: Uncertain significance for Primary ciliary dyskinesia 32. Last evaluated: 2022-08-10. Review status: criteria provided, single submitter. Criteria: Invitae Variant Classification Sherloc (09022015). Collection method: clinical testing. Allele origin: germline.
Comment: In summary, the available evidence is currently insufficient to determine the role of this variant in disease. Therefore, it has been classified as a Variant of Uncertain Significance. Experimental studies and prediction algorithms are not available or were not evaluated, and the functional significance of this variant is currently unknown. ClinVar contains an entry for this variant (Variation ID: 945283). This variant has not been reported in the literature in individuals affected with RSPH3-related conditions. This variant is not present in population databases (gnomAD no frequency). This sequence change creates a premature translational stop signal (p.Ala492Serfs*10) in the RSPH3 gene. While this is not anticipated to result in nonsense mediated decay, it is expected to disrupt the last 69 amino acid(s) of the RSPH3 protein.